The following is an entry in ClinVar:

ClinVar aggregate classification (germline): Conflicting classifications of pathogenicity. Review status: criteria provided, conflicting classifications (1 of 4 stars). 2 submissions from 2 submitters: Uncertain significance (1); Likely benign (1). Last evaluated 2025-07-23.

Conditions:
Dyskeratosis congenita. Identifiers: Orphanet 1775, MedGen C0265965, MONDO:0015780.
Dyskeratosis congenita, autosomal dominant 2. Identifiers: MedGen C3151443, MONDO:0013521, OMIM 613989.
Idiopathic Pulmonary Fibrosis. Also called: Idiopathic fibrosing alveolitis, chronic form; idiopathic fibrosing alveolitis. Identifiers: Orphanet 2032, MedGen C1800706, MeSH D054990, MONDO:0800504.

gnomAD v4.1: 1 of 1,612,128 alleles (0.000062%); highest among the groups gnomAD compares: Non-Finnish European, 0.000085%; no homozygotes.

Submissions (2):

Ambry Genetics
Classification: Likely benign for Dyskeratosis congenita. Last evaluated: 2025-07-23. Review status: criteria provided, single submitter. Criteria: Ambry Variant Classification Scheme 2023. Collection method: clinical testing. Allele origin: germline.

Labcorp Genetics (formerly Invitae), Labcorp
Classification: Uncertain significance for Dyskeratosis congenita, autosomal dominant 2; Idiopathic Pulmonary Fibrosis. Last evaluated: 2024-08-28. Review status: criteria provided, single submitter. Criteria: Invitae Variant Classification Sherloc (09022015). Collection method: clinical testing. Allele origin: germline.
Comment: This sequence change replaces glutamic acid, which is acidic and polar, with lysine, which is basic and polar, at codon 484 of the TERT protein (p.Glu484Lys). This variant is not present in population databases (gnomAD no frequency). This missense change has been observed in individual(s) with myelodysplastic syndrome (PMID: 34019641). ClinVar contains an entry for this variant (Variation ID: 955018). Invitae Evidence Modeling of protein sequence and biophysical properties (such as structural, functional, and spatial information, amino acid conservation, physicochemical variation, residue mobility, and thermodynamic stability) indicates that this missense variant is not expected to disrupt TERT protein function with a negative predictive value of 95%. Experimental studies are conflicting or provide insufficient evidence to determine the effect of this variant on TERT function (PMID: 34019641). In summary, the available evidence is currently insufficient to determine the role of this variant in disease. Therefore, it has been classified as a Variant of Uncertain Significance.

Literature cited by the submitters: PubMed 34019641 (cited by Labcorp Genetics (formerly Invitae), Labcorp).

NM_198253.3(TERT):c.1450G>A (p.Glu484Lys)

Gene: TERT (telomerase reverse transcriptase; minus strand). Cytogenetic location: 5p15.33.
Variant type: single nucleotide variant.
Coding change: c.1450G>A on transcript NM_198253.3 (MANE Select); coding-DNA position 1450, G replaced by A.
Protein change: p.Glu484Lys; replaces glutamic acid 484 with lysine.
Molecular consequence: missense variant. On other transcripts: non-coding transcript variant (2).
Genome position (GRCh38, 1-based): chr5:1,293,436, C>T on the plus strand (G>A on the coding strand, the complement: TERT is on the minus strand). VCF-style: chr5-1293436-C-T. GRCh37 (hg19) VCF-style: chr5-1293551-C-T.
Other names: c.1450G>A, p.Glu484Lys (NM_001193376.3); short protein forms E484K.
Identifiers: ClinVar variation 955018 (VCV000955018.48), dbSNP rs1561213355, ClinGen allele CA359085576.